The following is an entry in ClinVar:

ClinVar aggregate classification (germline): Pathogenic. Review status: criteria provided, multiple submitters, no conflicts (2 of 4 stars). 2 submissions from 2 submitters: Pathogenic (2). Last evaluated 2024-02-10.

Conditions:
3M syndrome 2. Also called: 3-M Syndrome, OBSL1-Related; THREE M SYNDROME 2. Identifiers: Orphanet 2616, MedGen C2752041, MONDO:0013039, OMIM 612921.

Submissions (2):

Labcorp Genetics (formerly Invitae), Labcorp
Classification: Pathogenic. Last evaluated: 2024-02-10. Review status: criteria provided, single submitter. Criteria: Invitae Variant Classification Sherloc (09022015). Collection method: clinical testing. Allele origin: germline.
Comment: This sequence change creates a premature translational stop signal (p.Asp722Thrfs*5) in the OBSL1 gene. It is expected to result in an absent or disrupted protein product. Loss-of-function variants in OBSL1 are known to be pathogenic (PMID: 19481195, 19877176). This variant is not present in population databases (gnomAD no frequency). This variant has not been reported in the literature in individuals affected with OBSL1-related conditions. ClinVar contains an entry for this variant (Variation ID: 1236172). For these reasons, this variant has been classified as Pathogenic.

Suma Genomics
Classification: Pathogenic for 3M syndrome 2. Review status: criteria provided, single submitter. Criteria: ACMG Guidelines, 2015. Collection method: clinical testing. Allele origin: inherited. Inheritance: Autosomal recessive inheritance. Affected: yes.

Literature cited by the submitters: PubMed 19481195 (cited by Labcorp Genetics (formerly Invitae), Labcorp); PubMed 19877176 (cited by Labcorp Genetics (formerly Invitae), Labcorp).

NM_015311.3(OBSL1):c.2164del (p.Asp722fs)

Gene: OBSL1 (obscurin like cytoskeletal adaptor 1; minus strand). Cytogenetic location: 2q35.
Variant type: Deletion.
Coding change: c.2164del on transcript NM_015311.3 (MANE Select); coding-DNA position 2164, one base deleted (G; older notation c.2164delG).
Protein change: p.Asp722fs; shifts the reading frame from aspartic acid 722.
Molecular consequence: frameshift variant.
Genome position (GRCh38, 1-based): chr2:219,565,485, C deleted on the plus strand (G on the coding strand, the reverse complement: OBSL1 is on the minus strand); the first of 2 consecutive C bases (chr2:219,565,485-219,565,486); deleting either gives the same sequence. VCF-style (leftmost placement, unchanged base first): chr2-219565484-TC-T. GRCh37 (hg19) VCF-style: chr2-220430206-TC-T.
Other names: c.2164del, p.Asp722fs (NM_001173408.2, NM_001173431.2); short protein forms D722fs.
Identifiers: ClinVar variation 1236172 (VCV001236172.3), dbSNP rs1696816233, ClinGen allele CA1329279062.